The following is an entry in ClinVar:

NM_000535.7(PMS2):c.1978G>A (p.Ala660Thr)

Gene: PMS2 (PMS1 homolog 2, mismatch repair system component; minus strand). Cytogenetic location: 7p22.1.
Variant type: single nucleotide variant.
Coding change: c.1978G>A on transcript NM_000535.7 (MANE Select); coding-DNA position 1978, G replaced by A.
Protein change: p.Ala660Thr; replaces alanine 660 with threonine.
Molecular consequence: missense variant. On other transcripts: non-coding transcript variant (1).
Genome position (GRCh38, 1-based): chr7:5,986,787, C>T on the plus strand (G>A on the coding strand, the complement: PMS2 is on the minus strand). VCF-style: chr7-5986787-C-T. GRCh37 (hg19) VCF-style: chr7-6026418-C-T.
Other names: c.1573G>A, p.Ala525Thr (NM_001406889.1, NM_001406908.1, NM_001406910.1 and 17 more transcripts); c.1513G>A, p.Ala505Thr (NM_001406900.1); c.1504G>A, p.Ala502Thr (NM_001406901.1, NM_001406902.1); c.1660G>A, p.Ala554Thr (NM_001406903.1, NM_001406876.1, NM_001322007.2 and 2 more transcripts); c.1465G>A, p.Ala489Thr (NM_001406904.1, NM_001406905.1); c.1417G>A, p.Ala473Thr (NM_001406906.1, NM_001406907.1, NM_001322010.2); c.1405G>A, p.Ala469Thr (NM_001406909.1, NM_001322013.2); c.1207G>A, p.Ala403Thr (NM_001406911.1); and 12 more; short protein forms A473T, A489T, A502T, A525T, A554T, A624T, A660T, A722T.
Identifiers: ClinVar variation 2134378 (VCV002134378.4), dbSNP rs2128720257, ClinGen allele CA366738988.

ClinVar aggregate classification (germline): Uncertain significance (1 of 4 stars; one submission).

Conditions:
Hereditary nonpolyposis colorectal neoplasms. Identifiers: MedGen C0009405, MeSH D003123.

Submission:

Labcorp Genetics (formerly Invitae), Labcorp
Classification: Uncertain significance for Hereditary nonpolyposis colorectal neoplasms. Last evaluated: 2022-05-05. Review status: criteria provided, single submitter. Criteria: Invitae Variant Classification Sherloc (09022015). Collection method: clinical testing. Allele origin: germline.
Comment: This variant is not present in population databases (gnomAD no frequency). This variant has not been reported in the literature in individuals affected with PMS2-related conditions. In summary, the available evidence is currently insufficient to determine the role of this variant in disease. Therefore, it has been classified as a Variant of Uncertain Significance. Advanced modeling of protein sequence and biophysical properties (such as structural, functional, and spatial information, amino acid conservation, physicochemical variation, residue mobility, and thermodynamic stability) performed at Invitae indicates that this missense variant is not expected to disrupt PMS2 protein function. This sequence change replaces alanine, which is neutral and non-polar, with threonine, which is neutral and polar, at codon 660 of the PMS2 protein (p.Ala660Thr).